The following is an entry in ClinVar:

ClinVar aggregate classification (germline): Uncertain significance (1 of 4 stars; one submission).

Allele frequency attached by ClinVar (database versions not stated): gnomAD exomes below 0.00001; ExAC 0.00001; gnomAD 0.00001.
gnomAD v4.1: 7 of 1,613,650 alleles (0.00043%); highest among the groups gnomAD compares: Admixed American, 0.0017%; no homozygotes.

Submission:

Ambry Genetics
Classification: Uncertain significance. Last evaluated: 2021-08-31. Review status: criteria provided, single submitter. Criteria: Ambry Variant Classification Scheme 2023. Collection method: clinical testing. Allele origin: germline.
Comment: The p.E973K variant (also known as c.2917G>A), located in coding exon 26 of the IKBKAP gene, results from a G to A substitution at nucleotide position 2917. The glutamic acid at codon 973 is replaced by lysine, an amino acid with similar properties. This amino acid position is conserved. In addition, this alteration is predicted to be tolerated by in silico analysis. Since supporting evidence is limited at this time, the clinical significance of this alteration remains unclear.

NM_003640.5(ELP1):c.2917G>A (p.Glu973Lys)

Gene: ELP1 (elongator acetyltransferase complex subunit 1; minus strand). Cytogenetic location: 9q31.3.
Variant type: single nucleotide variant.
Coding change: c.2917G>A on transcript NM_003640.5 (MANE Select); coding-DNA position 2917, G replaced by A.
Protein change: p.Glu973Lys; replaces glutamic acid 973 with lysine.
Molecular consequence: missense variant.
Genome position (GRCh38, 1-based): chr9:108,893,027, C>T on the plus strand (G>A on the coding strand, the complement: ELP1 is on the minus strand). VCF-style: chr9-108893027-C-T. GRCh37 (hg19) VCF-style: chr9-111655307-C-T.
Other names: c.2575G>A, p.Glu859Lys (NM_001318360.2); c.1870G>A, p.Glu624Lys (NM_001330749.2); short protein forms E624K, E859K, E973K.
Identifiers: ClinVar variation 1799880 (VCV001799880.2), dbSNP rs767461304, ClinGen allele CA5174495.